The following is an entry in ClinVar:

NM_004318.4(ASPH):c.640G>A (p.Val214Met)

Gene: ASPH (aspartate beta-hydroxylase; minus strand). Cytogenetic location: 8q12.3.
Variant type: single nucleotide variant.
Coding change: c.640G>A on transcript NM_004318.4 (MANE Select); coding-DNA position 640, G replaced by A.
Protein change: p.Val214Met; replaces valine 214 with methionine.
Molecular consequence: missense variant.
Genome position (GRCh38, 1-based): chr8:61,644,612, C>T on the plus strand (G>A on the coding strand, the complement: ASPH is on the minus strand). VCF-style: chr8-61644612-C-T. GRCh37 (hg19) VCF-style: chr8-62557171-C-T.
Other names: c.598G>A, p.Val200Met (NM_001164752.2, NM_001413856.1, NM_001413902.1 and 2 more transcripts); c.469G>A, p.Val157Met (NM_001164753.2); c.640G>A, p.Val214Met (NM_001164754.2, NM_001413844.1, NM_001413847.1 and 22 more transcripts); c.511G>A, p.Val171Met (NM_001164755.2, NM_001413859.1, NM_001413871.1 and 12 more transcripts); c.685G>A, p.Val229Met (NM_001413845.1, NM_001413846.1, NM_001413848.1 and 3 more transcripts); c.565G>A, p.Val189Met (NM_001413862.1); c.556G>A, p.Val186Met (NM_001413863.1, NM_001413865.1, NM_001413872.1 and 1 more transcripts); c.436G>A, p.Val146Met (NM_001413883.1, NM_001413884.1, NM_001413890.1 and 2 more transcripts); and 3 more; short protein forms V142M, V146M, V171M, V185M, V157M, V186M, V189M, V200M.
Identifiers: ClinVar variation 1917486 (VCV001917486.6), dbSNP rs752226869, ClinGen allele CA4762146.

ClinVar aggregate classification (germline): Uncertain significance. Review status: criteria provided, multiple submitters, no conflicts (2 of 4 stars). 2 submissions from 2 submitters: Uncertain significance (2). Last evaluated 2025-03-06.

Conditions:
Inborn genetic diseases. Identifiers: MedGen C0950123, MeSH D030342.

Allele frequency attached by ClinVar (database versions not stated): ExAC 0.00001; gnomAD exomes 0.00002.
gnomAD v4.1: 32 of 1,584,260 alleles (0.002%); highest among the groups gnomAD compares: Admixed American, 0.0035%; no homozygotes.

Submissions (2):

Ambry Genetics
Classification: Uncertain significance for Inborn genetic diseases. Last evaluated: 2025-03-06. Review status: criteria provided, single submitter. Criteria: Ambry Variant Classification Scheme 2023. Collection method: clinical testing. Allele origin: germline.

Labcorp Genetics (formerly Invitae), Labcorp
Classification: Uncertain significance. Last evaluated: 2024-02-23. Review status: criteria provided, single submitter. Criteria: Invitae Variant Classification Sherloc (09022015). Collection method: clinical testing. Allele origin: germline.
Comment: This sequence change replaces valine, which is neutral and non-polar, with methionine, which is neutral and non-polar, at codon 214 of the ASPH protein (p.Val214Met). The frequency data for this variant in the population databases is considered unreliable, as metrics indicate poor data quality at this position in the gnomAD database. This variant has not been reported in the literature in individuals affected with ASPH-related conditions. ClinVar contains an entry for this variant (Variation ID: 1917486). Algorithms developed to predict the effect of missense changes on protein structure and function output the following: SIFT: "Not Available"; PolyPhen-2: "Benign"; Align-GVGD: "Not Available". The methionine amino acid residue is found in multiple mammalian species, which suggests that this missense change does not adversely affect protein function. In summary, the available evidence is currently insufficient to determine the role of this variant in disease. Therefore, it has been classified as a Variant of Uncertain Significance.